The following is an entry in ClinVar:

ClinVar aggregate classification (germline): Uncertain significance (1 of 4 stars; one submission).

Conditions:
Noonan syndrome 9 (NS9). Identifiers: Orphanet 648, MedGen C4225282, MONDO:0014691, OMIM 616559.

Submission:

Labcorp Genetics (formerly Invitae), Labcorp
Classification: Uncertain significance for Noonan syndrome 9. Last evaluated: 2025-04-08. Review status: criteria provided, single submitter. Criteria: Invitae Variant Classification Sherloc (09022015). Collection method: clinical testing. Allele origin: germline.
Comment: This sequence change replaces leucine, which is neutral and non-polar, with proline, which is neutral and non-polar, at codon 1242 of the SOS2 protein (p.Leu1242Pro). This variant is not present in population databases (gnomAD no frequency). This variant has not been reported in the literature in individuals affected with SOS2-related conditions. Invitae Evidence Modeling of protein sequence and biophysical properties (such as structural, functional, and spatial information, amino acid conservation, physicochemical variation, residue mobility, and thermodynamic stability) indicates that this missense variant is not expected to disrupt SOS2 protein function with a negative predictive value of 95%. In summary, the available evidence is currently insufficient to determine the role of this variant in disease. Therefore, it has been classified as a Variant of Uncertain Significance.

NM_006939.4(SOS2):c.3725T>C (p.Leu1242Pro)

Gene: SOS2 (SOS Ras/Rho guanine nucleotide exchange factor 2; minus strand). Cytogenetic location: 14q21.3.
Variant type: single nucleotide variant.
Coding change: c.3725T>C on transcript NM_006939.4 (MANE Select); coding-DNA position 3725, T replaced by C.
Protein change: p.Leu1242Pro; replaces leucine 1242 with proline.
Molecular consequence: missense variant.
Genome position (GRCh38, 1-based): chr14:50,118,618, A>G on the plus strand (T>C on the coding strand, the complement: SOS2 is on the minus strand). VCF-style: chr14-50118618-A-G. GRCh37 (hg19) VCF-style: chr14-50585336-A-G.
Other names: c.3626T>C, p.Leu1209Pro (NM_001411020.1); short protein forms L1209P, L1242P.
Identifiers: ClinVar variation 4707448 (VCV004707448.1).
Genomic context (GRCh38, chr14:50,118,618, plus strand): 5'-GGAGTGCTTGGCGAATTTGGACACGTACTAATGTCTCTGAGCCAGTCTGAATCTCTGTGA[A>G]GATGCCCCAGTGGAGGTGGCTGAAGATTAAATGGACAGTTTATAAAGTGTTCTGGAGGCC-3'
Protein context (NP_008870.2, residues 1232-1252): FNLQPPPLGH[Leu1242Pro]HRDSDWLRDI